The following is an entry in ClinVar:

NM_013254.4(TBK1):c.1928A>T (p.Glu643Val)

Gene: TBK1 (TANK binding kinase 1; plus strand). Cytogenetic location: 12q14.2.
Variant type: single nucleotide variant.
Coding change: c.1928A>T on transcript NM_013254.4 (MANE Select); coding-DNA position 1928, A replaced by T.
Protein change: p.Glu643Val; replaces glutamic acid 643 with valine.
Molecular consequence: missense variant.
Genome position (GRCh38, 1-based): chr12:64,497,228, A>T. VCF-style: chr12-64497228-A-T. GRCh37 (hg19) VCF-style: chr12-64891008-A-T.
Other names: short protein forms E643V.
Identifiers: ClinVar variation 4810278 (VCV004810278.1).

ClinVar aggregate classification (germline): Uncertain significance (1 of 4 stars; one submission).

Conditions:
Frontotemporal dementia and/or amyotrophic lateral sclerosis 4. Also called: FTDALS4. Identifiers: Orphanet 275872, MedGen C4225325, MONDO:0014641, OMIM 616439.

gnomAD v4.1: 9 of 1,595,134 alleles (0.00056%); highest among the groups gnomAD compares: African/African-American, 0.0013%; no homozygotes.

Submission:

Labcorp Genetics (formerly Invitae), Labcorp
Classification: Uncertain significance for Frontotemporal dementia and/or amyotrophic lateral sclerosis 4. Last evaluated: 2025-08-03. Review status: criteria provided, single submitter. Criteria: Invitae Variant Classification Sherloc (09022015). Collection method: clinical testing. Allele origin: germline.
Comment: This sequence change replaces glutamic acid, which is acidic and polar, with valine, which is neutral and non-polar, at codon 643 of the TBK1 protein (p.Glu643Val). This variant is present in population databases (rs771502324, gnomAD 0.002%). This variant has not been reported in the literature in individuals affected with TBK1-related conditions. Invitae Evidence Modeling of protein sequence and biophysical properties (such as structural, functional, and spatial information, amino acid conservation, physicochemical variation, residue mobility, and thermodynamic stability) indicates that this missense variant is not expected to disrupt TBK1 protein function with a negative predictive value of 95%. In summary, the available evidence is currently insufficient to determine the role of this variant in disease. Therefore, it has been classified as a Variant of Uncertain Significance.